The following is an entry in ClinVar:

ClinVar aggregate classification (germline): Likely benign. Review status: criteria provided, multiple submitters, no conflicts (2 of 4 stars). 2 submissions from 2 submitters: Likely benign (2). Last evaluated 2024-10-23.

Conditions:
Melnick-Needles syndrome (MNS). Also called: MELNICK-NEEDLES OSTEODYSPLASTY; Melnick-Needles Syndrome (FLNA-MNS); OSTEODYSPLASTY OF MELNICK AND NEEDLES. Identifiers: Orphanet 2484, MedGen C0025237, MONDO:0010650, OMIM 309350.
Frontometaphyseal dysplasia (FMD1). Identifiers: Orphanet 1826, MedGen C0265293, MONDO:0015942.
Heterotopia, periventricular, X-linked dominant (PVNH1). Also called: PERIVENTRICULAR NODULAR HETEROTOPIA 4; HETEROTOPIA, PERIVENTRICULAR, 1; PERIVENTRICULAR NODULAR HETEROTOPIA 1; X-linked periventricular heterotopia. Identifiers: Orphanet 2149, Orphanet 82004, MedGen C1848213, MONDO:0010233, OMIM 300049.
Oto-palato-digital syndrome, type II (OPD2). Also called: Otopalatodigital Syndrome Type 2 (FLNA-OPD2); FACIOPALATOOSSEOUS SYNDROME; OPD II SYNDROME; Otopalatodigital Syndrome, Type II. Identifiers: Orphanet 669, Orphanet 90652, MedGen C1844696, MONDO:0010571, OMIM 304120.

Submissions (2):

Labcorp Genetics (formerly Invitae), Labcorp
Classification: Likely benign for Oto-palato-digital syndrome, type II; Heterotopia, periventricular, X-linked dominant; Frontometaphyseal dysplasia; Melnick-Needles syndrome. Last evaluated: 2024-10-23. Review status: criteria provided, single submitter. Criteria: Invitae Variant Classification Sherloc (09022015). Collection method: clinical testing. Allele origin: germline.

GeneDx
Classification: Likely benign. Last evaluated: 2018-02-27. Review status: criteria provided, single submitter. Criteria: GeneDx Variant Classification (06012015). Collection method: clinical testing. Allele origin: germline. Affected: yes.
Comment: This variant is considered likely benign or benign based on one or more of the following criteria: it is a conservative change, it occurs at a poorly conserved position in the protein, it is predicted to be benign by multiple in silico algorithms, and/or has population frequency not consistent with disease.

NM_001110556.2(FLNA):c.5553C>T (p.Ile1851=)

Gene: FLNA (filamin A; minus strand). Cytogenetic location: Xq28.
Variant type: single nucleotide variant.
Coding change: c.5553C>T on transcript NM_001110556.2 (MANE Select); coding-DNA position 5553, C replaced by T.
Protein change: p.Ile1851=; no amino-acid change (isoleucine 1851 retained).
Molecular consequence: synonymous variant.
Genome position (GRCh38, 1-based): chrX:154,354,155, G>A on the plus strand (C>T on the coding strand, the complement: FLNA is on the minus strand). VCF-style: chrX-154354155-G-A. GRCh37 (hg19) VCF-style: chrX-153582523-G-A.
Other names: c.5529C>T, p.Ile1843= (NM_001456.4).
Identifiers: ClinVar variation 515803 (VCV000515803.6), dbSNP rs1557176388, ClinGen allele CA519706982.
Genomic context (GRCh38, chrX:154,354,155, plus strand): 5'-CCCCATCTCTCTGTGAGGTGGTGGCGGTGGAGTGGGCAGAGGCAGGGCAGGCCCACCTGG[G>A]ATGTGCATGTTGTCATAGCGGATGTCCATCTCGTGCAGGCCAGCCTCGCTGGGTGCATAC-3'
Protein context (NP_001104026.1, residues 1841-1861): EMDIRYDNMH[Ile1851=]PGSPLQFYVD